The following is an entry in ClinVar:

NM_018706.7(DHTKD1):c.1604G>A (p.Gly535Asp)

Gene: DHTKD1 (dehydrogenase E1 and transketolase domain containing 1; plus strand). Cytogenetic location: 10p14.
Variant type: single nucleotide variant.
Coding change: c.1604G>A on transcript NM_018706.7 (MANE Select); coding-DNA position 1604, G replaced by A.
Protein change: p.Gly535Asp; replaces glycine 535 with aspartic acid.
Molecular consequence: missense variant.
Genome position (GRCh38, 1-based): chr10:12,097,929, G>A. VCF-style: chr10-12097929-G-A. GRCh37 (hg19) VCF-style: chr10-12139928-G-A.
Other names: short protein forms G535D.
Identifiers: ClinVar variation 1718386 (VCV001718386.6), dbSNP rs769818273, ClinGen allele CA376021642.
Genomic context (GRCh38, chr10:12,097,929, plus strand): 5'-CAGAAGCGCAAATCACCACCTGGAGTACAGGTGTGCCCCTCGACCTCCTGCGGTTTGTTG[G>A]CATGAAGTCTGTAGAGGTGCCAAGAGAGCTGCAGATGCACAGTCACCTGCTGAAGACACA-3'
Protein context (NP_061176.4, residues 525-545): GVPLDLLRFV[Gly535Asp]MKSVEVPREL

ClinVar aggregate classification (germline): Uncertain significance (1 of 4 stars; one submission).

Conditions:
2-aminoadipic 2-oxoadipic aciduria (AAKAD). Also called: Aminoadipic aciduria; ALPHA-AMINOADIPIC AND ALPHA-KETOADIPIC ACIDURIA. Identifiers: Orphanet 79154, MedGen C1859817, MONDO:0008774, OMIM 204750.

Submission:

Labcorp Genetics (formerly Invitae), Labcorp
Classification: Uncertain significance for 2-aminoadipic 2-oxoadipic aciduria. Last evaluated: 2022-09-07. Review status: criteria provided, single submitter. Criteria: Invitae Variant Classification Sherloc (09022015). Collection method: clinical testing. Allele origin: germline.
Comment: This sequence change replaces glycine, which is neutral and non-polar, with aspartic acid, which is acidic and polar, at codon 535 of the DHTKD1 protein (p.Gly535Asp). This variant is not present in population databases (gnomAD no frequency). This variant has not been reported in the literature in individuals affected with DHTKD1-related conditions. Algorithms developed to predict the effect of missense changes on protein structure and function (SIFT, PolyPhen-2, Align-GVGD) all suggest that this variant is likely to be disruptive. In summary, the available evidence is currently insufficient to determine the role of this variant in disease. Therefore, it has been classified as a Variant of Uncertain Significance.